The following is an entry in ClinVar:

ClinVar aggregate classification (germline): Uncertain significance (1 of 4 stars; one submission).

gnomAD v4.1: 1 of 1,612,206 alleles (0.000062%); highest among the groups gnomAD compares: Non-Finnish European, 0.000085%; no homozygotes.

Submission:

Laboratorio de Genetica e Diagnostico Molecular, Hospital Israelita Albert Einstein
Classification: Uncertain significance. Last evaluated: 2021-06-29. Review status: criteria provided, single submitter. Criteria: ACMG Guidelines, 2015. Collection method: clinical testing. Allele origin: germline. Affected: yes.
Comment: ACMG classification criteria: PM2

NM_001376.5(DYNC1H1):c.13182G>C (p.Thr4394=)

Gene: DYNC1H1 (dynein cytoplasmic 1 heavy chain 1; plus strand). Cytogenetic location: 14q32.31.
Variant type: single nucleotide variant.
Coding change: c.13182G>C on transcript NM_001376.5 (MANE Select); coding-DNA position 13182, G replaced by C.
Protein change: p.Thr4394=; no amino-acid change (threonine 4394 retained).
Molecular consequence: synonymous variant.
Genome position (GRCh38, 1-based): chr14:102,047,992, G>C. VCF-style: chr14-102047992-G-C. GRCh37 (hg19) VCF-style: chr14-102514329-G-C.
Identifiers: ClinVar variation 1690400 (VCV001690400.2), dbSNP rs754395575, ClinGen allele CA487969315.